The following is an entry in ClinVar:

NM_058172.6(ANTXR2):c.999del (p.Ile334fs)

Gene: ANTXR2 (ANTXR cell adhesion molecule 2; minus strand). Cytogenetic location: 4q21.21.
Variant type: Deletion.
Coding change: c.999del on transcript NM_058172.6 (MANE Select); coding-DNA position 999, one base deleted (G; older notation c.999delG).
Protein change: p.Ile334fs; shifts the reading frame from isoleucine 334.
Molecular consequence: frameshift variant.
Genome position (GRCh38, 1-based): chr4:80,008,563, C deleted on the plus strand (G on the coding strand, the reverse complement: ANTXR2 is on the minus strand); the first of 4 consecutive C bases (chr4:80,008,563-80,008,566); deleting any one gives the same sequence. VCF-style (leftmost placement, unchanged base first): chr4-80008562-TC-T. GRCh37 (hg19) VCF-style: chr4-80929716-TC-T.
Other names: c.999del, p.Ile334fs (NM_001145794.2); c.768del, p.Ile257fs (NM_001286780.2, NM_001286781.2); c.999delG (NM_058172.6); short protein forms I257fs, I334fs.
Identifiers: ClinVar variation 4845870 (VCV004845870.1).

ClinVar aggregate classification (germline): Likely pathogenic (1 of 4 stars; one submission).

Conditions:
Hyaline fibromatosis syndrome (HFS). Also called: Hyalinosis, Inherited Systemic; HYALINOSIS, SYSTEMIC. Identifiers: Orphanet 2028, Orphanet 498474, MedGen C5574677, MONDO:0009229, OMIM 228600.

Submission:

First Genomix Gene Laboratory, Genetic Diagnostics Department
Classification: Likely pathogenic for Hyaline fibromatosis syndrome. Last evaluated: 2025-03-18. Review status: criteria provided, single submitter. Criteria: ACMG Guidelines, 2015. Collection method: clinical testing. Allele origin: germline. Inheritance: Autosomal recessive inheritance. Affected: no. Observed: 1 variant allele.